The following is an entry in ClinVar:

ClinVar aggregate classification (germline): Uncertain significance (1 of 4 stars; one submission).

Allele frequency attached by ClinVar (database versions not stated): TOPMed below 0.00001.

Submission:

Labcorp Genetics (formerly Invitae), Labcorp
Classification: Uncertain significance. Last evaluated: 2021-06-12. Review status: criteria provided, single submitter. Criteria: Invitae Variant Classification Sherloc (09022015). Collection method: clinical testing. Allele origin: germline.
Comment: This sequence change replaces serine with asparagine at codon 142 of the GDF5 protein (p.Ser142Asn). The serine residue is moderately conserved and there is a small physicochemical difference between serine and asparagine. This variant is not present in population databases (ExAC no frequency). This variant has not been reported in the literature in individuals with GDF5-related conditions. Algorithms developed to predict the effect of missense changes on protein structure and function output the following: SIFT: "Deleterious"; PolyPhen-2: "Probably Damaging"; Align-GVGD: "Class C0". The asparagine amino acid residue is found in multiple mammalian species, suggesting that this missense change does not adversely affect protein function. These predictions have not been confirmed by published functional studies and their clinical significance is uncertain. In summary, the available evidence is currently insufficient to determine the role of this variant in disease. Therefore, it has been classified as a Variant of Uncertain Significance.

NM_000557.5(GDF5):c.425G>A (p.Ser142Asn)

Gene: GDF5 (growth differentiation factor 5; minus strand). Cytogenetic location: 20q11.22.
Variant type: single nucleotide variant.
Coding change: c.425G>A on transcript NM_000557.5 (MANE Select); coding-DNA position 425, G replaced by A.
Protein change: p.Ser142Asn; replaces serine 142 with asparagine.
Molecular consequence: missense variant.
Genome position (GRCh38, 1-based): chr20:35,437,504, C>T on the plus strand (G>A on the coding strand, the complement: GDF5 is on the minus strand). VCF-style: chr20-35437504-C-T. GRCh37 (hg19) VCF-style: chr20-34025284-C-T.
Other names: c.425G>A, p.Ser142Asn (NM_001319138.2); short protein forms S142N.
Identifiers: ClinVar variation 1360516 (VCV001360516.8), dbSNP rs1300486977, ClinGen allele CA408743671.